The following is an entry in ClinVar:

ClinVar aggregate classification (germline): Uncertain significance (1 of 4 stars; one submission).

Conditions:
Cardiovascular phenotype. Identifiers: MedGen CN230736.

Submission:

Ambry Genetics
Classification: Uncertain significance for Cardiovascular phenotype. Last evaluated: 2024-12-20. Review status: criteria provided, single submitter. Criteria: Ambry Variant Classification Scheme 2023. Collection method: clinical testing. Allele origin: germline.
Comment: The p.D838G variant (also known as c.2513A>G), located in coding exon 6 of the ALPK3 gene, results from an A to G substitution at nucleotide position 2513. The aspartic acid at codon 838 is replaced by glycine, an amino acid with similar properties. This amino acid position is poorly conserved in available vertebrate species. In addition, this alteration is predicted to be tolerated by in silico analysis. Based on the available evidence, the clinical significance of this variant remains unclear.

NM_020778.5(ALPK3):c.1907A>G (p.Asp636Gly)

Gene: ALPK3 (alpha kinase 3; plus strand). Cytogenetic location: 15q25.3.
Variant type: single nucleotide variant.
Coding change: c.1907A>G on transcript NM_020778.5 (MANE Select); coding-DNA position 1907, A replaced by G.
Protein change: p.Asp636Gly; replaces aspartic acid 636 with glycine.
Molecular consequence: missense variant.
Genome position (GRCh38, 1-based): chr15:84,856,645, A>G. VCF-style: chr15-84856645-A-G. GRCh37 (hg19) VCF-style: chr15-85399876-A-G.
Other names: short protein forms D636G.
Identifiers: ClinVar variation 3859180 (VCV003859180.1).